The following is an entry in ClinVar:

NM_017999.5(RNF31):c.2062C>T (p.Arg688Trp)

Gene: RNF31 (ring finger protein 31; plus strand). Cytogenetic location: 14q12.
Variant type: single nucleotide variant.
Coding change: c.2062C>T on transcript NM_017999.5 (MANE Select); coding-DNA position 2062, C replaced by T.
Protein change: p.Arg688Trp; replaces arginine 688 with tryptophan.
Molecular consequence: missense variant.
Genome position (GRCh38, 1-based): chr14:24,151,924, C>T. VCF-style: chr14-24151924-C-T. GRCh37 (hg19) VCF-style: chr14-24621133-C-T.
Other names: c.1609C>T, p.Arg537Trp (NM_001310332.2); short protein forms R537W, R688W.
Identifiers: ClinVar variation 3004093 (VCV003004093.3), dbSNP rs985796955, ClinGen allele CA257872879.
Genomic context (GRCh38, chr14:24,151,924, plus strand): 5'-GAGACACCCAGGAACTATGAGTTGGGGGATGTGGTAGAAGCTGTGAGGCACAGCCAGGAC[C>T]GGGCCTTCCTGCGCCGCTTGCTTGCCCAGGAGTGTGCCGTGTGTGGCTGGGCCCTGCCCC-3'
Protein context (NP_060469.4, residues 678-698): VVEAVRHSQD[Arg688Trp]AFLRRLLAQE

ClinVar aggregate classification (germline): Uncertain significance (1 of 4 stars; one submission).

Allele frequency attached by ClinVar (database versions not stated): gnomAD exomes below 0.00001; TOPMed 0.00001.

Submission:

Labcorp Genetics (formerly Invitae), Labcorp
Classification: Uncertain significance. Last evaluated: 2024-01-04. Review status: criteria provided, single submitter. Criteria: Invitae Variant Classification Sherloc (09022015). Collection method: clinical testing. Allele origin: germline.
Comment: This sequence change replaces arginine, which is basic and polar, with tryptophan, which is neutral and slightly polar, at codon 688 of the RNF31 protein (p.Arg688Trp). This variant is not present in population databases (gnomAD no frequency). This variant has not been reported in the literature in individuals affected with RNF31-related conditions. An algorithm developed to predict the effect of missense changes on protein structure and function (PolyPhen-2) suggests that this variant is likely to be disruptive. In summary, the available evidence is currently insufficient to determine the role of this variant in disease. Therefore, it has been classified as a Variant of Uncertain Significance.